The following is an entry in ClinVar:

ClinVar aggregate classification (germline): Conflicting classifications of pathogenicity. Review status: criteria provided, conflicting classifications (1 of 4 stars). 4 submissions from 4 submitters: Pathogenic (2); Uncertain significance (2). Last evaluated 2025-09-03.
ClinVar aggregate classification (oncogenicity): Likely oncogenic (1 of 4 stars; one submission).

Conditions:
Hereditary cancer-predisposing syndrome. Also called: Hereditary neoplastic syndrome; Tumor predisposition; Neoplastic Syndromes, Hereditary; Hereditary Cancer Syndrome. Identifiers: Orphanet 140162, MedGen C0027672, MeSH D009386, MONDO:0015356.
Neoplasm. Also called: Neoplasms; Neoplasm (disease); tumor. Identifiers: MedGen C0027651, MeSH D009369, MONDO:0005070, HP:0002664.

Allele frequency attached by ClinVar (database versions not stated): gnomAD exomes 0.00001; gnomAD 0.00003; TOPMed 0.00001.
gnomAD v4.1: 10 of 1,613,938 alleles (0.00062%); highest among the groups gnomAD compares: Non-Finnish European, 0.00076%; no homozygotes.

Submissions (5):

Center for Genomic Medicine, Rigshospitalet, Copenhagen University Hospital
Classification: Likely oncogenic for Neoplasm. Last evaluated: 2026-10-16. Review status: criteria provided, single submitter. Criteria: ClinGen/CGC/VICC Guidelines for Oncogenicity, 2022. Collection method: clinical testing. Allele origin: somatic. Affected: yes.

Labcorp Genetics (formerly Invitae), Labcorp
Classification: Pathogenic. Last evaluated: 2025-09-03. Review status: criteria provided, single submitter. Criteria: Invitae Variant Classification Sherloc (09022015). Collection method: clinical testing. Allele origin: germline.
Comment: This sequence change creates a premature translational stop signal (p.Arg1570*) in the POLE gene. It is expected to result in an absent or disrupted protein product. Loss-of-function variants in POLE are known to be pathogenic (PMID: 23230001, 25948378, 30503519). This variant is present in population databases (no rsID available, gnomAD 0.007%). This variant has not been reported in the literature in individuals affected with POLE-related conditions. ClinVar contains an entry for this variant (Variation ID: 473687). For these reasons, this variant has been classified as Pathogenic.

Ambry Genetics
Classification: Uncertain significance for Hereditary cancer-predisposing syndrome. Last evaluated: 2025-03-04. Review status: criteria provided, single submitter. Criteria: Ambry Variant Classification Scheme 2023. Collection method: clinical testing. Allele origin: germline.
Comment: The p.R1570* variant (also known as c.4708C>T), located in coding exon 36 of the POLE gene, results from a C to T substitution at nucleotide position 4708. This changes the amino acid from an arginine to a stop codon within coding exon 36. This alteration is expected to result in loss of function by premature protein truncation or nonsense-mediated mRNA decay. Although biallelic loss of function of POLE has been associated with autosomal recessive POLE deficiency, haploinsufficiency of POLE has not been established as a mechanism of disease for POLE-related polymerase proofreading-associated polyposis (PPAP) and POLE-related CMMRD-like syndrome. Based on the supporting evidence, this variant is expected to be causative of POLE deficiency when present along with a second pathogenic variant on the other allele; however, its clinical significance for PPAP and POLE-related CMMRD-like syndrome is unclear.

Center for Genomic Medicine, Rigshospitalet, Copenhagen University Hospital
Classification: Pathogenic. Last evaluated: 2025-03-04. Review status: criteria provided, single submitter. Criteria: ACMG Guidelines, 2015. Collection method: clinical testing. Allele origin: germline.

Dasa
Classification: Uncertain significance. Last evaluated: 2024-11-05. Review status: criteria provided, single submitter. Criteria: DASA Assertion Criteria. Collection method: clinical testing. Allele origin: germline.
Comment: NM_006231.4(POLE):c.4708C>T (p.Arg1570*) is a nonsense variant in POLE predicted to introduce a premature termination codon and is predicted to result in an absent or altered protein product. This variant is rare in population databases. The currently available literature and clinical evidence are not sufficient to establish a definitive association between this variant and the reported condition. Therefore, this variant is classified as a variant of uncertain significance.

Literature cited by the submitters: PubMed 23230001 (cited by Labcorp Genetics (formerly Invitae), Labcorp); PubMed 25948378 (cited by Labcorp Genetics (formerly Invitae), Labcorp); PubMed 30503519 (cited by Labcorp Genetics (formerly Invitae), Labcorp); PubMed 23263490 (cited by Center for Genomic Medicine, Rigshospitalet, Copenhagen University Hospital); PubMed 26251183 (cited by Center for Genomic Medicine, Rigshospitalet, Copenhagen University Hospital); PubMed 32792570 (cited by Center for Genomic Medicine, Rigshospitalet, Copenhagen University Hospital).

NM_006231.4(POLE):c.4708C>T (p.Arg1570Ter)

Gene: POLE (DNA polymerase epsilon, catalytic subunit; minus strand). Cytogenetic location: 12q24.33.
Variant type: single nucleotide variant.
Coding change: c.4708C>T on transcript NM_006231.4 (MANE Select); coding-DNA position 4708, C replaced by T.
Protein change: p.Arg1570Ter; replaces arginine 1570 with a stop codon.
Molecular consequence: nonsense.
Genome position (GRCh38, 1-based): chr12:132,642,840, G>A on the plus strand (C>T on the coding strand, the complement: POLE is on the minus strand). VCF-style: chr12-132642840-G-A. GRCh37 (hg19) VCF-style: chr12-133219426-G-A.
Other names: short protein forms R1570*.
Identifiers: ClinVar variation 473687 (VCV000473687.21), dbSNP rs1037592848, ClinGen allele CA246303902.